The following is an entry in ClinVar:

NM_001127222.2(CACNA1A):c.4250+5G>C

Genes: CACNA1A (calcium voltage-gated channel subunit alpha1 A; minus strand), LOC126862864 (MED14-independent group 3 enhancer GRCh37_chr19:13371552-13372751; plus strand). Cytogenetic location: 19p13.13.
Variant type: single nucleotide variant.
Coding change: c.4250+5G>C on transcript NM_001127222.2 (MANE Select); 5 bases into the intron after coding-DNA position 4250, G replaced by C.
Molecular consequence: intron variant.
Genome position (GRCh38, 1-based): chr19:13,261,445, C>G on the plus strand (G>C on the coding strand, the complement: CACNA1A is on the minus strand). VCF-style: chr19-13261445-C-G. GRCh37 (hg19) VCF-style: chr19-13372259-C-G.
Other names: c.4253+5G>C (NM_001127221.2, NM_001174080.2); c.4262+5G>C (NM_000068.4, NM_023035.3).
Identifiers: ClinVar variation 4856390 (VCV004856390.1).

ClinVar aggregate classification (germline): Likely pathogenic (1 of 4 stars; one submission).

Conditions:
Migraine, familial hemiplegic, 1. Also called: MIGRAINE, FAMILIAL HEMIPLEGIC 1, WITH PROGRESSIVE CEREBELLAR ATAXIA. Identifiers: Orphanet 569, MedGen C1832884, MONDO:0020756, OMIM 141500, MONDO:0007714.
Episodic ataxia type 2 (EA2). Also called: ACETAZOLAMIDE-RESPONSIVE HEREDITARY PAROXYSMAL CEREBELLAR ATAXIA; ATAXIA, EPISODIC, WITH NYSTAGMUS; ATAXIA, FAMILIAL PAROXYSMAL; CEREBELLAR ATAXIA, PAROXYSMAL, ACETAZOLAMIDE-RESPONSIVE; CEREBELLOPATHY, HEREDITARY PAROXYSMAL; EPISODIC ATAXIA, NYSTAGMUS-ASSOCIATED. Identifiers: Orphanet 97, MedGen C1720416, MONDO:0007163, OMIM 108500.

gnomAD v4.1: 1 of 1,564,624 alleles (0.000064%); highest among the groups gnomAD compares: Non-Finnish European, 0.000087%; no homozygotes.

Submission:

Centre de Génétique Humaine, Institut de Pathologie Et de Génétique
Classification: Likely pathogenic for Episodic ataxia type 2; Migraine, familial hemiplegic, 1. Last evaluated: 2024-05-28. Review status: criteria provided, single submitter. Criteria: ACMG Guidelines, 2015. Collection method: clinical testing. Allele origin: paternal. Inheritance: Autosomal dominant inheritance. Affected: yes. Observed: 1 variant allele, 1 heterozygote.
Comment: The variant affects a moderately conserved nucleotide (phyloP: 4.44 [-19.0, 10.9]). In silico analysis are in favor of a deleterious effect of the variant (CADD 25.6)-PP3. It is present in one individual gnomAD v4.1.1 (in a European non finnish individual)-PM2. The splicing analysis shows a partial intron retention (r.4262_4263ins[gtggc;4262+6_4262+42] this could lead to a protein sequence modification as follow p.(Arg1421delinsArgTrpLeuSerThrPheGlnHisIleProIleGlyThrSerArg)) with a predicted protein length change in a functional region of the protein (ionic canal)-PM1. The variant co-segregates in 6 affected members of the family-PP1.